The following is an entry in ClinVar:

ClinVar aggregate classification (germline): Uncertain significance (1 of 4 stars; one submission).

Allele frequency attached by ClinVar (database versions not stated): gnomAD 0.00001; gnomAD exomes 0.00001; TOPMed 0.00001.
gnomAD v4.1: 10 of 1,294,310 alleles (0.00077%); highest among the groups gnomAD compares: Non-Finnish European, 0.000098%; no homozygotes.

Submission:

CeGaT Center for Human Genetics Tuebingen
Classification: Uncertain significance. Last evaluated: 2023-02-01. Review status: criteria provided, single submitter. Criteria: CeGaT Center For Human Genetics Tuebingen Variant Classification Criteria Version 2. Collection method: clinical testing. Allele origin: germline. Affected: yes. Observed: 1 variant allele.
Comment: NRXN1: PM2, BP4

NM_001330078.2(NRXN1):c.3365-109942G>A

Gene: NRXN1 (neurexin 1; minus strand). Cytogenetic location: 2p16.3.
Variant type: single nucleotide variant.
Coding change: c.3365-109942G>A on transcript NM_001330078.2 (MANE Select); 109942 bases into the intron before coding-DNA position 3365, G replaced by A.
Molecular consequence: intron variant. On other transcripts: missense variant (4).
Genome position (GRCh38, 1-based): chr2:50,346,912, C>T on the plus strand (G>A on the coding strand, the complement: NRXN1 is on the minus strand). VCF-style: chr2-50346912-C-T. GRCh37 (hg19) VCF-style: chr2-50574050-C-T.
Other names: c.38G>A, p.Gly13Asp (NM_001330091.2, NM_001330092.2, NM_001330097.2 and 1 more transcripts); c.3254-109942G>A (NM_001330096.2, NM_001330087.2); c.3299-109942G>A (NM_001330083.2, NM_001330084.2); c.3284-109942G>A (NM_001330088.2); c.3362-109942G>A (NM_001330093.2); c.3353-109942G>A (NM_001330094.2); c.3314-109942G>A (NM_001330095.2); c.3341-109942G>A (NM_001330082.2, NM_001330077.2); and 3 more; short protein forms G13D.
Identifiers: ClinVar variation 2650903 (VCV002650903.24), dbSNP rs772808630, ClinGen allele CA1654570.
Genomic context (GRCh38, chr2:50,346,912, plus strand): 5'-AGGGCCAGGCGCCCCCCTGCGCCGCCGCCGCCGCCGCCGCCGCCGCCGCCCCCGGGCGAG[C>T]CCAGCTCGGCGCCGCACCGGAGCATCCTCTGGTACATGGCGGGGCGCCCGCCGAGGGGCA-3'